The following is an entry in ClinVar:

NM_005618.4(DLL1):c.283C>T (p.Pro95Ser)

Gene: DLL1 (delta like canonical Notch ligand 1; minus strand). Cytogenetic location: 6q27.
Variant type: single nucleotide variant.
Coding change: c.283C>T on transcript NM_005618.4 (MANE Select); coding-DNA position 283, C replaced by T.
Protein change: p.Pro95Ser; replaces proline 95 with serine.
Molecular consequence: missense variant.
Genome position (GRCh38, 1-based): chr6:170,289,580, G>A on the plus strand (C>T on the coding strand, the complement: DLL1 is on the minus strand). VCF-style: chr6-170289580-G-A. GRCh37 (hg19) VCF-style: chr6-170598668-G-A.
Other names: c.283C>T (NM_005618.3); short protein forms P95S.
Identifiers: ClinVar variation 2172121 (VCV002172121.6), dbSNP rs779478084, ClinGen allele CA4107197.

ClinVar aggregate classification (germline): Uncertain significance. Review status: criteria provided, multiple submitters, no conflicts (2 of 4 stars). 3 submissions from 3 submitters: Uncertain significance (3). Last evaluated 2025-12-15.

Conditions:
DLL1-related disorder. Also called: DLL1-related condition.
Inborn genetic diseases. Identifiers: MedGen C0950123, MeSH D030342.

Allele frequency attached by ClinVar (database versions not stated): gnomAD exomes 0.00001; gnomAD 0.00005; ExAC 0.00009; TOPMed 0.00010.
gnomAD v4.1: 26 of 1,535,350 alleles (0.0017%); highest among the groups gnomAD compares: Admixed American, 0.02%; no homozygotes.

Submissions (3):

Labcorp Genetics (formerly Invitae), Labcorp
Classification: Uncertain significance. Last evaluated: 2025-12-15. Review status: criteria provided, single submitter. Criteria: Invitae Variant Classification Sherloc (09022015). Collection method: clinical testing. Allele origin: germline.
Comment: This sequence change replaces proline, which is neutral and non-polar, with serine, which is neutral and polar, at codon 95 of the DLL1 protein (p.Pro95Ser). The frequency data for this variant in the population databases is considered unreliable, as metrics indicate poor data quality at this position in the gnomAD database. This variant has not been reported in the literature in individuals affected with DLL1-related conditions. ClinVar contains an entry for this variant (Variation ID: 2172121). An algorithm developed to predict the effect of missense changes on protein structure and function (PolyPhen-2) suggests that this variant is likely to be tolerated. In summary, the available evidence is currently insufficient to determine the role of this variant in disease. Therefore, it has been classified as a Variant of Uncertain Significance.

PreventionGenetics, part of Exact Sciences
Classification: Uncertain significance for DLL1-related condition. Last evaluated: 2023-06-22. Review status: criteria provided, single submitter. Criteria: ACMG Guidelines, 2015. Collection method: clinical testing. Allele origin: germline.
Comment: The DLL1 c.283C>T variant is predicted to result in the amino acid substitution p.Pro95Ser. To our knowledge, this variant has not been reported in the literature. This variant is reported in 0.0041% of alleles in individuals of Latino descent in gnomAD. At this time, the clinical significance of this variant is uncertain due to the absence of conclusive functional and genetic evidence.

Ambry Genetics
Classification: Uncertain significance for Inborn genetic diseases. Last evaluated: 2021-06-22. Review status: criteria provided, single submitter. Criteria: Ambry Variant Classification Scheme 2023. Collection method: clinical testing. Allele origin: germline.